The following is an entry in ClinVar:

NM_006017.3(PROM1):c.1970A>G (p.Lys657Arg)

Gene: PROM1 (prominin 1; minus strand). Cytogenetic location: 4p15.32.
Variant type: single nucleotide variant.
Coding change: c.1970A>G on transcript NM_006017.3 (MANE Select); coding-DNA position 1970, A replaced by G.
Protein change: p.Lys657Arg; replaces lysine 657 with arginine.
Molecular consequence: missense variant.
Genome position (GRCh38, 1-based): chr4:15,991,235, T>C on the plus strand (A>G on the coding strand, the complement: PROM1 is on the minus strand). VCF-style: chr4-15991235-T-C. GRCh37 (hg19) VCF-style: chr4-15992858-T-C.
Other names: c.1943A>G, p.Lys648Arg (NM_001145847.2, NM_001145848.2, NM_001145851.2 and 4 more transcripts); c.1970A>G, p.Lys657Arg (NM_001145849.2, NM_001145850.2); short protein forms K648R, K657R.
Identifiers: ClinVar variation 1961743 (VCV001961743.5), dbSNP rs1208279826, ClinGen allele CA356430410.

ClinVar aggregate classification (germline): Uncertain significance (1 of 4 stars; one submission).

Allele frequency attached by ClinVar (database versions not stated): gnomAD exomes below 0.00001.
gnomAD v4.1: 4 of 1,608,770 alleles (0.00025%); highest among the groups gnomAD compares: Non-Finnish European, 0.00034%; no homozygotes.

Submission:

Labcorp Genetics (formerly Invitae), Labcorp
Classification: Uncertain significance. Last evaluated: 2022-05-29. Review status: criteria provided, single submitter. Criteria: Invitae Variant Classification Sherloc (09022015). Collection method: clinical testing. Allele origin: germline.
Comment: This sequence change replaces lysine, which is basic and polar, with arginine, which is basic and polar, at codon 657 of the PROM1 protein (p.Lys657Arg). The frequency data for this variant in the population databases is considered unreliable, as metrics indicate poor data quality at this position in the gnomAD database. This variant has not been reported in the literature in individuals affected with PROM1-related conditions. Algorithms developed to predict the effect of missense changes on protein structure and function output the following: SIFT: "Tolerated"; PolyPhen-2: "Benign"; Align-GVGD: "Class C0". The arginine amino acid residue is found in multiple mammalian species, which suggests that this missense change does not adversely affect protein function. In summary, the available evidence is currently insufficient to determine the role of this variant in disease. Therefore, it has been classified as a Variant of Uncertain Significance.